The following is an entry in ClinVar:

ClinVar aggregate classification (germline): Likely benign (1 of 4 stars; one submission).

Submission:

CeGaT Center for Human Genetics Tuebingen
Classification: Likely benign. Last evaluated: 2022-11-01. Review status: criteria provided, single submitter. Criteria: CeGaT Center For Human Genetics Tuebingen Variant Classification Criteria Version 2. Collection method: clinical testing. Allele origin: germline. Affected: yes. Observed: 1 variant allele.
Comment: ANKFY1: PM2:Supporting, BP4, BP7

NM_001330063.2(ANKFY1):c.10+316C>A

Gene: ANKFY1 (ankyrin repeat and FYVE domain containing 1; minus strand). Cytogenetic location: 17p13.2.
Variant type: single nucleotide variant.
Coding change: c.10+316C>A on transcript NM_001330063.2 (MANE Select); 316 bases into the intron after coding-DNA position 10, C replaced by A.
Molecular consequence: intron variant. On other transcripts: synonymous variant (1).
Genome position (GRCh38, 1-based): chr17:4,263,616, G>T on the plus strand (C>A on the coding strand, the complement: ANKFY1 is on the minus strand). VCF-style: chr17-4263616-G-T. GRCh37 (hg19) VCF-style: chr17-4166911-G-T.
Other names: c.115C>A, p.Arg39= (NM_001257999.3); c.10+316C>A (NM_016376.5).
Identifiers: ClinVar variation 2647253 (VCV002647253.24), dbSNP rs1332415088, ClinGen allele CA497628404.